The following is an entry in ClinVar:

NM_182961.4(SYNE1):c.9170G>T (p.Gly3057Val)

Gene: SYNE1 (spectrin repeat containing nuclear envelope protein 1; minus strand). Cytogenetic location: 6q25.2.
Variant type: single nucleotide variant.
Coding change: c.9170G>T on transcript NM_182961.4 (MANE Select); coding-DNA position 9170, G replaced by T.
Protein change: p.Gly3057Val; replaces glycine 3057 with valine.
Molecular consequence: missense variant.
Genome position (GRCh38, 1-based): chr6:152,376,535, C>A on the plus strand (G>T on the coding strand, the complement: SYNE1 is on the minus strand). VCF-style: chr6-152376535-C-A. GRCh37 (hg19) VCF-style: chr6-152697670-C-A.
Other names: c.9191G>T, p.Gly3064Val (NM_033071.5); short protein forms G3064V, G3057V.
Identifiers: ClinVar variation 971561 (VCV000971561.10), dbSNP rs761071366, ClinGen allele CA366141206.
Genomic context (GRCh38, chr6:152,376,535, plus strand): 5'-TGGAAATCCCTGAAGGCCTTTCGAAATCTTTGCTGTAAAATCTGTTCTTTATTCTGGCAG[C>A]CCTTGGATGCTTGCAAACAAAGACTGAAAAGGTGACGCAAAAATTTAATGGCAGGAAAAA-3'
Protein context (NP_892006.3, residues 3047-3067): YNCLCLQASK[Gly3057Val]CQNKEQILQQ

ClinVar aggregate classification (germline): Uncertain significance (1 of 4 stars; one submission).

Conditions:
Autosomal recessive ataxia, Beauce type. Also called: Spinocerebellar ataxia, autosomal recessive 8; ATAXIA, RECESSIVE, OF BEAUCE; SYNE1-Related Autosomal Recessive Cerebellar Ataxia; SYNE1 Deficiency. Identifiers: Orphanet 88644, MedGen C1853116, MONDO:0012549, OMIM 610743.
Emery-Dreifuss muscular dystrophy 4, autosomal dominant (EDMD4). Also called: EMERY-DREIFUSS MUSCULAR DYSTROPHY 4 WITH VARIABLE FEATURES. Identifiers: Orphanet 261, MedGen C2751807, MONDO:0013071, OMIM 612998.

Allele frequency attached by ClinVar (database versions not stated): TOPMed 0.00001.
gnomAD v4.1: 2 of 1,613,998 alleles (0.00012%); highest among the groups gnomAD compares: Non-Finnish European, 0.000085%; no homozygotes.

Submission:

Labcorp Genetics (formerly Invitae), Labcorp
Classification: Uncertain significance for Emery-Dreifuss muscular dystrophy 4, autosomal dominant; Autosomal recessive ataxia, Beauce type. Last evaluated: 2024-03-11. Review status: criteria provided, single submitter. Criteria: Invitae Variant Classification Sherloc (09022015). Collection method: clinical testing. Allele origin: germline.
Comment: This sequence change replaces glycine, which is neutral and non-polar, with valine, which is neutral and non-polar, at codon 3064 of the SYNE1 protein (p.Gly3064Val). This variant is not present in population databases (gnomAD no frequency). This variant has not been reported in the literature in individuals affected with SYNE1-related conditions. ClinVar contains an entry for this variant (Variation ID: 971561). An algorithm developed to predict the effect of missense changes on protein structure and function (PolyPhen-2) suggests that this variant is likely to be tolerated. In summary, the available evidence is currently insufficient to determine the role of this variant in disease. Therefore, it has been classified as a Variant of Uncertain Significance.